The following is an entry in ClinVar:

ClinVar aggregate classification (germline): Benign/Likely benign. Review status: criteria provided, multiple submitters, no conflicts (2 of 4 stars). 3 submissions from 3 submitters: Benign (1); Likely benign (2). Last evaluated 2026-07-17.

Conditions:
Polyps, multiple and recurrent inflammatory fibroid, gastrointestinal. Identifiers: MedGen C5193005, MONDO:0008285, OMIM 175510.
Hereditary cancer-predisposing syndrome. Also called: Hereditary neoplastic syndrome; Neoplastic Syndromes, Hereditary; Tumor predisposition; Hereditary Cancer Syndrome. Identifiers: Orphanet 140162, MedGen C0027672, MeSH D009386, MONDO:0015356.
Gastrointestinal stromal tumor. Also called: Gastrointestinal stroma tumor; Gastrointestinal stromal tumor, somatic. Identifiers: Orphanet 44890, MedGen C0238198, MeSH D046152, MONDO:0011719, OMIM 606764, HP:0100723.

Allele frequency attached by ClinVar (database versions not stated): gnomAD exomes below 0.00001.
gnomAD v4.1: 1 of 1,614,124 alleles (0.000062%); highest among the groups gnomAD compares: South Asian, 0.0011%; no homozygotes.

Submissions (3):

Ambry Genetics
Classification: Likely benign for Hereditary cancer-predisposing syndrome. Last evaluated: 2026-07-17. Review status: criteria provided, single submitter. Criteria: Ambry Variant Classification Scheme 2023. Collection method: clinical testing. Allele origin: germline.

Myriad Genetics, Inc.
Classification: Benign for Polyps, multiple and recurrent inflammatory fibroid, gastrointestinal. Last evaluated: 2026-06-16. Review status: criteria provided, single submitter. Criteria: Myriad Autosomal Dominant, Autosomal Recessive and X-Linked Classification Criteria (2023). Collection method: clinical testing. Allele origin: unknown.
Comment: This variant is considered benign. This variant is a silent/synonymous amino acid change and it is not expected to impact splicing.

Labcorp Genetics (formerly Invitae), Labcorp
Classification: Likely benign for Gastrointestinal stromal tumor. Last evaluated: 2022-10-08. Review status: criteria provided, single submitter. Criteria: Invitae Variant Classification Sherloc (09022015). Collection method: clinical testing. Allele origin: germline.

NM_006206.6(PDGFRA):c.957C>T (p.Pro319=)

Gene: PDGFRA (platelet derived growth factor receptor alpha; plus strand). Cytogenetic location: 4q12.
Variant type: single nucleotide variant.
Coding change: c.957C>T on transcript NM_006206.6 (MANE Select); coding-DNA position 957, C replaced by T.
Protein change: p.Pro319=; no amino-acid change (proline 319 retained).
Molecular consequence: synonymous variant.
Genome position (GRCh38, 1-based): chr4:54,267,577, C>T. VCF-style: chr4-54267577-C-T. GRCh37 (hg19) VCF-style: chr4-55133744-C-T.
Other names: c.957C>T, p.Pro319= (NM_001347827.2, NM_001347829.2); c.1032C>T, p.Pro344= (NM_001347828.2); c.996C>T, p.Pro332= (NM_001347830.2).
Identifiers: ClinVar variation 1932335 (VCV001932335.7), dbSNP rs2110266477, ClinGen allele CA439286706.